The following is an entry in ClinVar:

NM_002972.4(SBF1):c.554C>T (p.Thr185Met)

Gene: SBF1 (SET binding factor 1; minus strand). Cytogenetic location: 22q13.33.
Variant type: single nucleotide variant.
Coding change: c.554C>T on transcript NM_002972.4 (MANE Select); coding-DNA position 554, C replaced by T.
Protein change: p.Thr185Met; replaces threonine 185 with methionine.
Molecular consequence: missense variant.
Genome position (GRCh38, 1-based): chr22:50,466,706, G>A on the plus strand (C>T on the coding strand, the complement: SBF1 is on the minus strand). VCF-style: chr22-50466706-G-A. GRCh37 (hg19) VCF-style: chr22-50905135-G-A.
Other names: c.557C>T, p.Thr186Met (NM_001365819.1); short protein forms T185M, T186M.
Identifiers: ClinVar variation 1216204 (VCV001216204.7), dbSNP rs551437073, ClinGen allele CA10318030.

ClinVar aggregate classification (germline): Uncertain significance. Review status: criteria provided, multiple submitters, no conflicts (2 of 4 stars). 3 submissions from 3 submitters: Uncertain significance (3). Last evaluated 2023-10-10.

Allele frequency attached by ClinVar (database versions not stated): gnomAD 0.00002 and 0.00003; TOPMed 0.00003; gnomAD exomes 0.00008 and 0.00009; ExAC 0.00015; 1000 Genomes Project 30x 0.00016; 1000 Genomes Project 0.00020.
gnomAD v4.1: 119 of 1,528,040 alleles (0.0078%); highest among the groups gnomAD compares: Admixed American, 0.015%; no homozygotes.

Submissions (3):

Ambry Genetics
Classification: Uncertain significance. Last evaluated: 2023-10-10. Review status: criteria provided, single submitter. Criteria: Ambry Variant Classification Scheme 2023. Collection method: clinical testing. Allele origin: germline.

Labcorp Genetics (formerly Invitae), Labcorp
Classification: Uncertain significance. Last evaluated: 2022-09-19. Review status: criteria provided, single submitter. Criteria: Invitae Variant Classification Sherloc (09022015). Collection method: clinical testing. Allele origin: germline.
Comment: This sequence change replaces threonine, which is neutral and polar, with methionine, which is neutral and non-polar, at codon 185 of the SBF1 protein (p.Thr185Met). This variant is present in population databases (rs551437073, gnomAD 0.01%). This variant has not been reported in the literature in individuals affected with SBF1-related conditions. ClinVar contains an entry for this variant (Variation ID: 1216204). Advanced modeling of protein sequence and biophysical properties (such as structural, functional, and spatial information, amino acid conservation, physicochemical variation, residue mobility, and thermodynamic stability) performed at Invitae indicates that this missense variant is not expected to disrupt SBF1 protein function. In summary, the available evidence is currently insufficient to determine the role of this variant in disease. Therefore, it has been classified as a Variant of Uncertain Significance.

GeneDx
Classification: Uncertain significance. Last evaluated: 2021-02-17. Review status: criteria provided, single submitter. Criteria: GeneDx Variant Classification Process June 2021. Collection method: clinical testing. Allele origin: germline. Affected: yes.
Comment: Not observed at a significant frequency in large population cohorts (Lek et al., 2016); In silico analysis, which includes protein predictors and evolutionary conservation, supports that this variant does not alter protein structure/function; Has not been previously published as pathogenic or benign to our knowledge